The following is an entry in ClinVar:

ClinVar aggregate classification (germline): Uncertain significance (1 of 4 stars; one submission).

Submission:

Labcorp Genetics (formerly Invitae), Labcorp
Classification: Uncertain significance. Last evaluated: 2024-05-05. Review status: criteria provided, single submitter. Criteria: Invitae Variant Classification Sherloc (09022015). Collection method: clinical testing. Allele origin: germline.
Comment: This sequence change replaces lysine, which is basic and polar, with asparagine, which is neutral and polar, at codon 1407 of the SAMD9L protein (p.Lys1407Asn). This variant is not present in population databases (gnomAD no frequency). This variant has not been reported in the literature in individuals affected with SAMD9L-related conditions. Advanced modeling of protein sequence and biophysical properties (such as structural, functional, and spatial information, amino acid conservation, physicochemical variation, residue mobility, and thermodynamic stability) has been performed at Invitae for this missense variant, however the output from this modeling did not meet the statistical confidence thresholds required to predict the impact of this variant on SAMD9L protein function. In summary, the available evidence is currently insufficient to determine the role of this variant in disease. Therefore, it has been classified as a Variant of Uncertain Significance.

NM_152703.5(SAMD9L):c.4221A>T (p.Lys1407Asn)

Gene: SAMD9L (sterile alpha motif domain containing 9 like; minus strand). Cytogenetic location: 7q21.2.
Variant type: single nucleotide variant.
Coding change: c.4221A>T on transcript NM_152703.5 (MANE Select); coding-DNA position 4221, A replaced by T.
Protein change: p.Lys1407Asn; replaces lysine 1407 with asparagine.
Molecular consequence: missense variant.
Genome position (GRCh38, 1-based): chr7:93,131,751, T>A on the plus strand (A>T on the coding strand, the complement: SAMD9L is on the minus strand). VCF-style: chr7-93131751-T-A. GRCh37 (hg19) VCF-style: chr7-92761064-T-A.
Other names: c.4221A>T, p.Lys1407Asn (NM_001303496.3, NM_001303497.3, NM_001303498.3 and 5 more transcripts); short protein forms K1407N.
Identifiers: ClinVar variation 3652213 (VCV003652213.2).